The following is an entry in ClinVar:

ClinVar aggregate classification (germline): Likely benign. Review status: criteria provided, multiple submitters, no conflicts (2 of 4 stars). 4 submissions from 4 submitters: Likely benign (3). 1 of the submissions does not count toward it. Last evaluated 2026-01-19.

Conditions:
NPHP3-related disorder. Also called: NPHP3-related condition; NPHP3-related disorders. Identifiers: MedGen CN379163.
Nephronophthisis 3 (NPHP3). Also called: Adolescent nephronophthisis. Identifiers: Orphanet 655, MedGen C1858392, MONDO:0011456, OMIM 604387.
NPHP3-related Meckel-like syndrome. Also called: GOLDSTON SYNDROME; Meckel syndrome type 7. Identifiers: Orphanet 3032, MedGen C2673885, MONDO:0009966, OMIM 267010.
Renal-hepatic-pancreatic dysplasia 1 (RHPD1). Identifiers: MedGen C3715199, MONDO:0008833, OMIM 208540.
Nephronophthisis. Also called: Juvenile Nephronophthisis. Identifiers: Orphanet 655, MedGen C0687120, MONDO:0019005, HP:0000090.

Allele frequency attached by ClinVar (database versions not stated): TOPMed 0.00003; ExAC 0.00004; gnomAD 0.00004; gnomAD exomes 0.00004 and 0.00007.
gnomAD v4.1: 64 of 1,613,922 alleles (0.004%); highest among the groups gnomAD compares: Non-Finnish European, 0.0025%; no homozygotes.

Submissions (4):

Labcorp Genetics (formerly Invitae), Labcorp
Classification: Likely benign for Nephronophthisis. Last evaluated: 2026-01-19. Review status: criteria provided, single submitter. Criteria: Invitae Variant Classification Sherloc (09022015). Collection method: clinical testing. Allele origin: germline.

Blueprint Genetics
Classification: Likely benign. Last evaluated: 2024-02-14. Review status: criteria provided, single submitter. Criteria: ACMG Guidelines, 2015. Collection method: clinical testing. Allele origin: germline.

Fulgent Genetics
Classification: Likely benign for Renal-hepatic-pancreatic dysplasia 1; NPHP3-related Meckel-like syndrome; Nephronophthisis 3. Last evaluated: 2021-09-17. Review status: criteria provided, single submitter. Criteria: ACMG Guidelines, 2015. Collection method: clinical testing. Allele origin: unknown.

PreventionGenetics, part of Exact Sciences
Classification: Likely benign for NPHP3-related condition. Last evaluated: 2022-03-24. Review status: no assertion criteria provided. Collection method: clinical testing. Allele origin: germline. Not counted in ClinVar's aggregate classification.
Comment: This variant is classified as likely benign based on ACMG/AMP sequence variant interpretation guidelines (Richards et al. 2015 PMID: 25741868, with internal and published modifications).

NM_153240.5(NPHP3):c.3399C>T (p.Asp1133=)

Genes: NPHP3 (nephrocystin 3; minus strand), NPHP3-ACAD11 (NPHP3-ACAD11 readthrough (NMD candidate); minus strand). Cytogenetic location: 3q22.1.
Variant type: single nucleotide variant.
Coding change: c.3399C>T on transcript NM_153240.5 (MANE Select); coding-DNA position 3399, C replaced by T.
Protein change: p.Asp1133=; no amino-acid change (aspartic acid 1133 retained).
Molecular consequence: synonymous variant. On other transcripts: non-coding transcript variant (1).
Genome position (GRCh38, 1-based): chr3:132,684,725, G>A on the plus strand (C>T on the coding strand, the complement: NPHP3 is on the minus strand). VCF-style: chr3-132684725-G-A. GRCh37 (hg19) VCF-style: chr3-132403569-G-A.
Other names: c.3399C>T (NM_153240.4).
Identifiers: ClinVar variation 1606566 (VCV001606566.12), dbSNP rs766231228, ClinGen allele CA2621752.